The following is an entry in ClinVar:

NM_020987.5(ANK3):c.3845+1G>T

Gene: ANK3 (ankyrin 3; minus strand). Cytogenetic location: 10q21.2.
Variant type: single nucleotide variant.
Coding change: c.3845+1G>T on transcript NM_020987.5 (MANE Select); the canonical splice donor site of the intron after coding-DNA position 3845, G replaced by T.
Molecular consequence: splice donor variant.
Genome position (GRCh38, 1-based): chr10:60,085,156, C>A on the plus strand (G>T on the coding strand, the complement: ANK3 is on the minus strand). VCF-style: chr10-60085156-C-A. GRCh37 (hg19) VCF-style: chr10-61844914-C-A.
Other names: c.3827+1G>T (NM_001204403.2); c.3848+1G>T (NM_001204404.2); c.3845+1G>T (NM_001320874.2); c.1247+1G>T (NM_001149.4).
Identifiers: ClinVar variation 5022265 (VCV005022265.1).
Genomic context (GRCh38, chr10:60,085,156, plus strand): 5'-CTTTCCAAAAGGTAATAAAAACTAATTCCTTACTGCTTTTTGGAATCCTTTATTTCCATA[C>A]CTGGCTGAAACATTGGTTGTAAAGGAGACACAATCTTTTATAAACGTCAAAGGAGTTGTT-3'

ClinVar aggregate classification (germline): Likely pathogenic (1 of 4 stars; one submission).

Conditions:
Inborn genetic diseases. Identifiers: MedGen C0950123, MeSH D030342.

Submission:

Ambry Genetics
Classification: Likely pathogenic for Inborn genetic diseases. Last evaluated: 2026-06-22. Review status: criteria provided, single submitter. Criteria: Ambry Variant Classification Scheme 2023. Collection method: clinical testing. Allele origin: germline.
Comment: The c.3845+1G>T intronic variant consists of a G to T substitution one nucleotide after exon 31(coding exon 31) of the ANK3 gene. Variants that disrupt the canonical splice site are expected to cause aberrant splicing, resulting in an abnormal protein or a transcript that is subject to nonsense-mediated mRNA decay. for autosomal dominant ANK3-related neurodevelopmental disorder; however, its clinical significance for autosomal recessive ANK3-related neurodevelopmental disorder is uncertain. This variant was not reported in population-based cohorts in the Genome Aggregation Database (gnomAD). This nucleotide position is highly conserved in available vertebrate species. In silico splice site analysis predicts that this alteration will weaken the native splice donor site and will result in the creation or strengthening of a novel splice donor site. Based on the available evidence, this alteration is classified as likely pathogenic.